The following is an entry in ClinVar:

ClinVar aggregate classification (germline): Uncertain significance. Review status: criteria provided, multiple submitters, no conflicts (2 of 4 stars). 4 submissions from 4 submitters: Uncertain significance (4). Last evaluated 2026-02-24.

Conditions:
LRP2-related disorder. Also called: LRP2-related condition.
Donnai-Barrow syndrome. Also called: DBS/FOAR SYNDROME; FACIOOCULOACOUSTICORENAL SYNDROME. Identifiers: Orphanet 2143, MedGen C1857277, MONDO:0009104, OMIM 222448.

Allele frequency attached by ClinVar (database versions not stated): gnomAD 0.00001 and 0.00002; ExAC 0.00002; gnomAD exomes 0.00002; TOPMed 0.00002; ESP Exome Variant Server 0.00008; 1000 Genomes Project 0.00020; 1000 Genomes Project 30x 0.00031.
gnomAD v4.1: 22 of 1,614,122 alleles (0.0014%); highest among the groups gnomAD compares: South Asian, 0.0033%; no homozygotes.

Submissions (4):

PreventionGenetics, part of Exact Sciences
Classification: Uncertain significance for LRP2-related condition. Last evaluated: 2026-02-24. Review status: criteria provided, single submitter. Criteria: ACMG Guidelines, 2015. Collection method: clinical testing. Allele origin: germline.
Comment: The LRP2 c.2944G>A variant is predicted to result in the amino acid substitution p.Gly982Ser. This variant was reported in an individual with myelomeningocele (Table S3, Au et al. 2021. PubMed ID: 33574475). This variant is reported in 0.0062% of alleles in individuals of African descent in gnomAD. At this time, the clinical significance of this variant is uncertain due to the absence of conclusive functional and genetic evidence.

Fulgent Genetics
Classification: Uncertain significance for Donnai-Barrow syndrome. Last evaluated: 2024-06-17. Review status: criteria provided, single submitter. Criteria: ACMG Guidelines, 2015. Collection method: clinical testing. Allele origin: germline.

GeneDx
Classification: Uncertain significance. Last evaluated: 2024-03-07. Review status: criteria provided, single submitter. Criteria: GeneDx Variant Classification Process June 2021. Collection method: clinical testing. Allele origin: germline. Affected: yes.
Comment: In silico analysis supports that this missense variant has a deleterious effect on protein structure/function; Has not been previously published as pathogenic or benign to our knowledge; This variant is associated with the following publications: (PMID: 33574475)

Labcorp Genetics (formerly Invitae), Labcorp
Classification: Uncertain significance. Last evaluated: 2022-08-09. Review status: criteria provided, single submitter. Criteria: Invitae Variant Classification Sherloc (09022015). Collection method: clinical testing. Allele origin: germline.
Comment: This sequence change replaces glycine, which is neutral and non-polar, with serine, which is neutral and polar, at codon 982 of the LRP2 protein (p.Gly982Ser). This variant is present in population databases (rs116482338, gnomAD 0.003%). This variant has not been reported in the literature in individuals affected with LRP2-related conditions. ClinVar contains an entry for this variant (Variation ID: 1475497). Algorithms developed to predict the effect of missense changes on protein structure and function (SIFT, PolyPhen-2, Align-GVGD) all suggest that this variant is likely to be disruptive. Algorithms developed to predict the effect of sequence changes on RNA splicing suggest that this variant may create or strengthen a splice site. In summary, the available evidence is currently insufficient to determine the role of this variant in disease. Therefore, it has been classified as a Variant of Uncertain Significance.

NM_004525.3(LRP2):c.2944G>A (p.Gly982Ser)

Gene: LRP2 (LDL receptor related protein 2; minus strand). Cytogenetic location: 2q31.1.
Variant type: single nucleotide variant.
Coding change: c.2944G>A on transcript NM_004525.3 (MANE Select); coding-DNA position 2944, G replaced by A.
Protein change: p.Gly982Ser; replaces glycine 982 with serine.
Molecular consequence: missense variant.
Genome position (GRCh38, 1-based): chr2:169,246,951, C>T on the plus strand (G>A on the coding strand, the complement: LRP2 is on the minus strand). VCF-style: chr2-169246951-C-T. GRCh37 (hg19) VCF-style: chr2-170103461-C-T.
Other names: c.2944G>A (NM_004525.2); short protein forms G982S.
Identifiers: ClinVar variation 1475497 (VCV001475497.9), dbSNP rs116482338, ClinGen allele CA1955150.